The following is an entry in ClinVar:

ClinVar aggregate classification (germline): Uncertain significance (1 of 4 stars; one submission).

Conditions:
Monocytopenia with susceptibility to infections. Also called: MONOCYTOPENIA AND MYCOBACTERIAL INFECTION SYNDROME; MONOCYTOPENIA WITH SUSCEPTIBILITY TO MYCOBACTERIAL, FUNGAL, AND PAPILLOMAVIRUS INFECTIONS AND MYELODYSPLASIA; COMBINED IMMUNODEFICIENCY WITH SUSCEPTIBILITY TO MYCOBACTERIAL, VIRAL, AND FUNGAL INFECTIONS; Dendritic cell, monocyte, B lymphocyte, and natural killer lymphocyte deficiency; IMMUNODEFICIENCY 21; GATA2 DEFICIENCY. Identifiers: Orphanet 228423, MedGen C3280030, MONDO:0013607, OMIM 614172.
Deafness-lymphedema-leukemia syndrome. Also called: Lymphedema, primary, with myelodysplasia; Emberger syndrome. Identifiers: Orphanet 3226, MedGen C3279664, MONDO:0013540, OMIM 614038.

Submission:

Labcorp Genetics (formerly Invitae), Labcorp
Classification: Uncertain significance for Monocytopenia with susceptibility to infections; Deafness-lymphedema-leukemia syndrome. Last evaluated: 2023-03-21. Review status: criteria provided, single submitter. Criteria: Invitae Variant Classification Sherloc (09022015). Collection method: clinical testing. Allele origin: germline.
Comment: This sequence change affects the initiator methionine of the GATA2 mRNA. The next in-frame methionine is located at codon 11. This variant is not present in population databases (gnomAD no frequency). This variant has not been reported in the literature in individuals affected with GATA2-related conditions. Experimental studies and prediction algorithms are not available or were not evaluated, and the functional significance of this variant is currently unknown. In summary, the available evidence is currently insufficient to determine the role of this variant in disease. Therefore, it has been classified as a Variant of Uncertain Significance.

NM_032638.5(GATA2):c.2T>G (p.Met1Arg)

Gene: GATA2 (GATA binding protein 2; minus strand). Cytogenetic location: 3q21.3.
Variant type: single nucleotide variant.
Coding change: c.2T>G on transcript NM_032638.5 (MANE Select); coding-DNA position 2, T replaced by G.
Protein change: p.Met1Arg; changes the start codon (methionine 1).
Molecular consequence: missense variant, initiator codon variant.
Genome position (GRCh38, 1-based): chr3:128,487,030, A>C on the plus strand (T>G on the coding strand, the complement: GATA2 is on the minus strand). VCF-style: chr3-128487030-A-C. GRCh37 (hg19) VCF-style: chr3-128205873-A-C.
Other names: c.2T>G, p.Met1Arg (NM_001145661.2, NM_001145662.1); short protein forms M1R.
Identifiers: ClinVar variation 2935333 (VCV002935333.3), dbSNP rs1279121108, ClinGen allele CA354409370.